The following is an entry in ClinVar:

NM_001242896.3(DEPDC5):c.4183G>T (p.Ala1395Ser)

Gene: DEPDC5 (DEP domain containing 5, GATOR1 subcomplex subunit; plus strand). Cytogenetic location: 22q12.3.
Variant type: single nucleotide variant.
Coding change: c.4183G>T on transcript NM_001242896.3 (MANE Select); coding-DNA position 4183, G replaced by T.
Protein change: p.Ala1395Ser; replaces alanine 1395 with serine.
Molecular consequence: missense variant. On other transcripts: non-coding transcript variant (5).
Genome position (GRCh38, 1-based): chr22:31,893,731, G>T. VCF-style: chr22-31893731-G-T. GRCh37 (hg19) VCF-style: chr22-32289717-G-T.
Other names: c.4156G>T, p.Ala1386Ser (NM_001136029.4); c.3883G>T, p.Ala1295Ser (NM_001242897.2); c.4117G>T, p.Ala1373Ser (NM_001363852.2, NM_001364320.2); c.3949G>T, p.Ala1317Ser (NM_001363854.2, NM_001364319.2); c.4183G>T, p.Ala1395Ser (NM_001364318.2); c.4099G>T, p.Ala1367Ser (NM_001369901.1, NM_001369902.1); c.4090G>T, p.Ala1364Ser (NM_001369903.1, NM_014662.6); short protein forms A1295S, A1373S, A1395S, A1364S, A1367S, A1386S, A1317S.
Identifiers: ClinVar variation 2012912 (VCV002012912.4), dbSNP rs764462476, ClinGen allele CA411287415.

ClinVar aggregate classification (germline): Uncertain significance (1 of 4 stars; one submission).

Conditions:
Familial focal epilepsy with variable foci (FPEVF). Identifiers: Orphanet 98820, MedGen C1858477, MONDO:0020310.

Submission:

Labcorp Genetics (formerly Invitae), Labcorp
Classification: Uncertain significance for Familial focal epilepsy with variable foci. Last evaluated: 2022-07-01. Review status: criteria provided, single submitter. Criteria: Invitae Variant Classification Sherloc (09022015). Collection method: clinical testing. Allele origin: germline.
Comment: This sequence change replaces alanine, which is neutral and non-polar, with serine, which is neutral and polar, at codon 1395 of the DEPDC5 protein (p.Ala1395Ser). This variant is not present in population databases (gnomAD no frequency). In summary, the available evidence is currently insufficient to determine the role of this variant in disease. Therefore, it has been classified as a Variant of Uncertain Significance. Algorithms developed to predict the effect of missense changes on protein structure and function are either unavailable or do not agree on the potential impact of this missense change (SIFT: "Tolerated"; PolyPhen-2: "Not Available"; Align-GVGD: "Class C0"). This variant has not been reported in the literature in individuals affected with DEPDC5-related conditions.